The following is an entry in ClinVar:

ClinVar aggregate classification (germline): Uncertain significance (1 of 4 stars; one submission).

Conditions:
Hereditary cancer-predisposing syndrome. Also called: Neoplastic Syndromes, Hereditary; Tumor predisposition; Hereditary neoplastic syndrome; Hereditary Cancer Syndrome. Identifiers: Orphanet 140162, MedGen C0027672, MeSH D009386, MONDO:0015356.
Cardiovascular phenotype. Identifiers: MedGen CN230736.

Submission:

Ambry Genetics
Classification: Uncertain significance for Cardiovascular phenotype; Hereditary cancer-predisposing syndrome. Last evaluated: 2022-11-17. Review status: criteria provided, single submitter. Criteria: Ambry Variant Classification Scheme 2023. Collection method: clinical testing. Allele origin: germline.
Comment: The p.L1716P variant (also known as c.5147T>C), located in coding exon 36 of the NF1 gene, results from a T to C substitution at nucleotide position 5147. The leucine at codon 1716 is replaced by proline, an amino acid with similar properties. This amino acid position is conserved. In addition, the in silico prediction for this alteration is inconclusive. Since supporting evidence is limited at this time, the clinical significance of this alteration remains unclear.

NM_001042492.3(NF1):c.5210T>C (p.Leu1737Pro)

Gene: NF1 (neurofibromin 1; plus strand). Cytogenetic location: 17q11.2.
Variant type: single nucleotide variant.
Coding change: c.5210T>C on transcript NM_001042492.3 (MANE Select); coding-DNA position 5210, T replaced by C.
Protein change: p.Leu1737Pro; replaces leucine 1737 with proline.
Molecular consequence: missense variant.
Genome position (GRCh38, 1-based): chr17:31,326,194, T>C. VCF-style: chr17-31326194-T-C. GRCh37 (hg19) VCF-style: chr17-29653212-T-C.
Other names: c.5147T>C, p.Leu1716Pro (NM_000267.4); short protein forms L1716P, L1737P.
Identifiers: ClinVar variation 2452212 (VCV002452212.2), dbSNP rs2508698227, ClinGen allele CA399008146.